The following is an entry in ClinVar:

ClinVar aggregate classification (germline): Pathogenic/Likely pathogenic. Review status: criteria provided, multiple submitters, no conflicts (2 of 4 stars). 4 submissions from 4 submitters: Pathogenic (1); Likely pathogenic (2). 1 of the submissions does not count toward it. Last evaluated 2025-06-24.

Conditions:
Familial thoracic aortic aneurysm and aortic dissection (TAAD). Also called: Thoracic aortic aneurysms and dissections. Identifiers: Orphanet 91387, MedGen C4707243, MONDO:0019625.
Marfan syndrome (MFS). Also called: FBN1-Related Marfan Syndrome; Marfan syndrome type 1; Marfan's syndrome; Marfan syndrome, classic; MARFAN SYNDROME, TYPE I. Identifiers: Orphanet 284963, Orphanet 558, MedGen C0024796, MONDO:0007947, OMIM 154700.

Submissions (4):

Labcorp Genetics (formerly Invitae), Labcorp
Classification: Likely pathogenic for Marfan syndrome; Familial thoracic aortic aneurysm and aortic dissection. Last evaluated: 2025-06-24. Review status: criteria provided, single submitter. Criteria: Invitae Variant Classification Sherloc (09022015). Collection method: clinical testing. Allele origin: germline.
Comment: This sequence change replaces glycine, which is neutral and non-polar, with aspartic acid, which is acidic and polar, at codon 1910 of the FBN1 protein (p.Gly1910Asp). This variant is not present in population databases (gnomAD no frequency). This missense change has been observed in individual(s) with clinical features of Marfan syndrome (internal data). ClinVar contains an entry for this variant (Variation ID: 618650). Invitae Evidence Modeling of protein sequence and biophysical properties (such as structural, functional, and spatial information, amino acid conservation, physicochemical variation, residue mobility, and thermodynamic stability) indicates that this missense variant is expected to disrupt FBN1 protein function with a positive predictive value of 95%. This variant disrupts the p.Gly1910 amino acid residue in FBN1. Other variant(s) that disrupt this residue have been determined to be pathogenic (PMID: 10189222; internal data). This suggests that this residue is clinically significant, and that variants that disrupt this residue are likely to be disease-causing. In summary, the currently available evidence indicates that the variant is pathogenic, but additional data are needed to prove that conclusively. Therefore, this variant has been classified as Likely Pathogenic.

Ambry Genetics
Classification: Pathogenic for Familial thoracic aortic aneurysm and aortic dissection. Last evaluated: 2025-05-30. Review status: criteria provided, single submitter. Criteria: Ambry Variant Classification Scheme 2023. Collection method: clinical testing. Allele origin: germline.
Comment: The p.G1910D pathogenic mutation (also known as c.5729G>A), located in coding exon 46 of the FBN1 gene, results from a G to A substitution at nucleotide position 5729. The glycine at codon 1910 is replaced by aspartic acid, an amino acid with similar properties. This variant was reported in individual(s) with features consistent with Marfan syndrome; in at least one individual, it was determined to be de novo (Ambry internal data; external communication). This variant alters a critical glycine in a sterically constrained region and is expected to disrupt FBN1 function (Van Kien PK et al. Hum Mutat. 2010;31(1):E1021-42). This amino acid position is highly conserved in available vertebrate species. In addition, this alteration is predicted to be deleterious by in silico analysis. This variant is considered to be rare based on population cohorts in the Genome Aggregation Database (gnomAD). Based on the supporting evidence, this variant is interpreted as a disease-causing mutation.

Juno Genomics, Hangzhou Juno Genomics, Inc
Classification: Likely pathogenic for Marfan syndrome. Review status: criteria provided, single submitter. Criteria: ACMG Guidelines, 2015. Collection method: clinical testing. Allele origin: germline. Affected: yes.
Comment: Absent from controls (or at extremely low frequency if recessive) in Genome Aggregation Database, Exome Sequencing Project, 1000 Genomes Project, or Exome Aggregation Consortium.;Missense variant in a gene that has a low rate of benign missense variation and where missense variants are a common mechanism of disease.;Multiple lines of computational evidence support a deleterious effect on the gene or gene product (conservation, evolutionary, splicing impact, etc).;Located in a mutational hot spot and/or critical and well-established functional domain (e.g. active site of an enzyme) without benign variation.;Patient's phenotype or family history is highly specific for a disease with a single genetic etiology.

ARUP Laboratories, Molecular Genetics and Genomics, ARUP Laboratories
Classification: Uncertain significance. Last evaluated: 2017-08-14. Review status: flagged submission. Criteria: ARUP Molecular Germline Variant Investigation Process. Collection method: clinical testing. Allele origin: germline. Not counted in ClinVar's aggregate classification.
ClinVar note: Reason: Outlier claim with insufficient supporting evidence

Literature cited by the submitters: PubMed 10189222 (cited by Labcorp Genetics (formerly Invitae), Labcorp).

NM_000138.5(FBN1):c.5729G>A (p.Gly1910Asp)

Gene: FBN1 (fibrillin 1; minus strand). Cytogenetic location: 15q21.1.
Variant type: single nucleotide variant.
Coding change: c.5729G>A on transcript NM_000138.5 (MANE Select); coding-DNA position 5729, G replaced by A.
Protein change: p.Gly1910Asp; replaces glycine 1910 with aspartic acid.
Molecular consequence: missense variant.
Genome position (GRCh38, 1-based): chr15:48,446,765, C>T on the plus strand (G>A on the coding strand, the complement: FBN1 is on the minus strand). VCF-style: chr15-48446765-C-T. GRCh37 (hg19) VCF-style: chr15-48738962-C-T.
Other names: short protein forms G1910D.
Identifiers: ClinVar variation 618650 (VCV000618650.12), dbSNP rs1566898786, ClinGen allele CA392341252.